The following is an entry in ClinVar:

NM_001379081.2(FREM1):c.3089-4G>T

Gene: FREM1 (FRAS1 related extracellular matrix 1; minus strand). Cytogenetic location: 9p22.3.
Variant type: single nucleotide variant.
Coding change: c.3089-4G>T on transcript NM_001379081.2 (MANE Select); 4 bases into the intron before coding-DNA position 3089, G replaced by T.
Molecular consequence: intron variant.
Genome position (GRCh38, 1-based): chr9:14,806,850, C>A on the plus strand (G>T on the coding strand, the complement: FREM1 is on the minus strand). VCF-style: chr9-14806850-C-A. GRCh37 (hg19) VCF-style: chr9-14806848-C-A.
Other names: p.?; c.3089-4G>T (NM_144966.7).
Identifiers: ClinVar variation 262536 (VCV000262536.22), dbSNP rs10810249, ClinGen allele CA4990687.

ClinVar aggregate classification (germline): Benign. Review status: criteria provided, multiple submitters, no conflicts (2 of 4 stars). 10 submissions from 10 submitters: Benign (8). 2 of the submissions do not count toward it. Last evaluated 2026-02-03.

Conditions:
Oculotrichoanal syndrome (MOTA). Also called: MARLES SYNDROME; Manitoba Oculotrichoanal (MOTA) Syndrome. Identifiers: Orphanet 2717, MedGen C1855425, MONDO:0009560, OMIM 248450.

Allele frequency attached by ClinVar (database versions not stated): 1000 Genomes Project 0.15176; 1000 Genomes Project 30x 0.15209; TOPMed 0.18521; gnomAD 0.18577; ESP Exome Variant Server 0.19126; gnomAD exomes 0.22969; ExAC 0.28086.
gnomAD v4.1: 353,483 of 1,565,898 alleles (23%); highest among the groups gnomAD compares: Middle Eastern, 31%; 42,120 homozygotes.

Submissions (10):

Labcorp Genetics (formerly Invitae), Labcorp
Classification: Benign. Last evaluated: 2026-02-03. Review status: criteria provided, single submitter. Criteria: Invitae Variant Classification Sherloc (09022015). Collection method: clinical testing. Allele origin: germline.

Blueprint Genetics
Classification: Benign. Last evaluated: 2024-11-27. Review status: criteria provided, single submitter. Criteria: ACMG Guidelines, 2015. Collection method: clinical testing. Allele origin: germline.

Mayo Clinic Laboratories, Mayo Clinic
Classification: Benign. Last evaluated: 2022-03-09. Review status: criteria provided, single submitter. Criteria: ACMG Guidelines, 2015. Collection method: clinical testing. Allele origin: germline. Observed: 34 variant alleles.

Genome-Nilou Lab
Classification: Benign for Oculotrichoanal syndrome. Last evaluated: 2021-08-10. Review status: criteria provided, single submitter. Criteria: ACMG Guidelines, 2015. Collection method: clinical testing. Allele origin: germline. Affected: no.

GeneDx
Classification: Benign. Last evaluated: 2021-05-04. Review status: criteria provided, single submitter. Criteria: GeneDx Variant Classification Process June 2021. Collection method: clinical testing. Allele origin: germline. Affected: yes.

Illumina Laboratory Services, Illumina
Classification: Benign for Oculotrichoanal syndrome. Last evaluated: 2018-01-13. Review status: criteria provided, single submitter. Criteria: ICSL Variant Classification Criteria 13 December 2019. Collection method: clinical testing. Allele origin: germline.
Comment: This variant was observed in the ICSL laboratory as part of a predisposition screen in an ostensibly healthy population. It had not been previously curated by ICSL or reported in the Human Gene Mutation Database (HGMD: prior to June 1st, 2018), and was therefore a candidate for classification through an automated scoring system. Utilizing variant allele frequency, disease prevalence and penetrance estimates, and inheritance mode, an automated score was calculated to assess if this variant is too frequent to cause the disease. Based on the score and internal cut-off values, a variant classified as benign is not then subjected to further curation. The score for this variant resulted in a classification of benign for this disease.

Breakthrough Genomics
Classification: Benign. Review status: criteria provided, single submitter. Criteria: ACMG Guidelines, 2015. Collection method: not provided. Allele origin: germline. Inheritance: Autosomal recessive inheritance. Affected: yes.

PreventionGenetics, part of Exact Sciences
Classification: Benign. Review status: criteria provided, single submitter. Criteria: ACMG Guidelines, 2015. Collection method: clinical testing. Allele origin: germline.

Diagnostic Laboratory, Department of Genetics, University Medical Center Groningen
Classification: Benign. Review status: no assertion criteria provided. Collection method: clinical testing. Allele origin: germline. Affected: yes. Study: VKGL Data-share Consensus. Not counted in ClinVar's aggregate classification.

Genome Diagnostics Laboratory, University Medical Center Utrecht
Classification: Benign. Review status: no assertion criteria provided. Collection method: clinical testing. Allele origin: germline. Affected: yes. Study: VKGL Data-share Consensus. Not counted in ClinVar's aggregate classification.